The following is an entry in ClinVar:

NM_002519.3(NPAT):c.1805A>G (p.Gln602Arg)

Gene: NPAT (nuclear protein, coactivator of histone transcription; minus strand). Cytogenetic location: 11q22.3.
Variant type: single nucleotide variant.
Coding change: c.1805A>G on transcript NM_002519.3 (MANE Select); coding-DNA position 1805, A replaced by G.
Protein change: p.Gln602Arg; replaces glutamine 602 with arginine.
Molecular consequence: missense variant.
Genome position (GRCh38, 1-based): chr11:108,173,179, T>C on the plus strand (A>G on the coding strand, the complement: NPAT is on the minus strand). VCF-style: chr11-108173179-T-C. GRCh37 (hg19) VCF-style: chr11-108043906-T-C.
Other names: c.1805A>G, p.Gln602Arg (NM_001321307.1); short protein forms Q602R.
Identifiers: ClinVar variation 1780465 (VCV001780465.4), dbSNP rs772078556, ClinGen allele CA6263938.
Genomic context (GRCh38, chr11:108,173,179, plus strand): 5'-TCTACTTGTCCAGATACATTTAAATGTGAACTTTCAACAGACACAGGTAGTATTTCACTT[T>C]GAAGACAAGAATTATCTTGGCAATTTGATAGCTGTGACATAACTGGTTCTAACACATTAA-3'
Protein context (NP_002510.2, residues 592-612): LSNCQDNSCL[Gln602Arg]SEILPVSVES

ClinVar aggregate classification (germline): Uncertain significance. Review status: criteria provided, multiple submitters, no conflicts (2 of 4 stars). 2 submissions from 2 submitters: Uncertain significance (2). Last evaluated 2025-01-24.

Allele frequency attached by ClinVar (database versions not stated): gnomAD exomes 0.00001; ExAC 0.00002; gnomAD 0.00002; TOPMed 0.00002.
gnomAD v4.1: 12 of 1,613,686 alleles (0.00074%); highest among the groups gnomAD compares: East Asian, 0.025%; no homozygotes.

Submissions (2):

Labcorp Genetics (formerly Invitae), Labcorp
Classification: Uncertain significance. Last evaluated: 2025-01-24. Review status: criteria provided, single submitter. Criteria: Invitae Variant Classification Sherloc (09022015). Collection method: clinical testing. Allele origin: germline.
Comment: This sequence change replaces glutamine, which is neutral and polar, with arginine, which is basic and polar, at codon 602 of the NPAT protein (p.Gln602Arg). This variant is present in population databases (rs772078556, gnomAD 0.04%). This variant has not been reported in the literature in individuals affected with NPAT-related conditions. ClinVar contains an entry for this variant (Variation ID: 1780465). An algorithm developed to predict the effect of missense changes on protein structure and function (PolyPhen-2) suggests that this variant is likely to be tolerated. In summary, the available evidence is currently insufficient to determine the role of this variant in disease. Therefore, it has been classified as a Variant of Uncertain Significance.

Ambry Genetics
Classification: Uncertain significance. Last evaluated: 2023-12-22. Review status: criteria provided, single submitter. Criteria: Ambry Variant Classification Scheme 2023. Collection method: clinical testing. Allele origin: germline.